The following is an entry in ClinVar:

NM_001330311.2(DVL1):c.1393C>T (p.Arg465Trp)

Gene: DVL1 (dishevelled segment polarity protein 1; minus strand). Cytogenetic location: 1p36.33.
Variant type: single nucleotide variant.
Coding change: c.1393C>T on transcript NM_001330311.2 (MANE Select); coding-DNA position 1393, C replaced by T.
Protein change: p.Arg465Trp; replaces arginine 465 with tryptophan.
Molecular consequence: missense variant.
Genome position (GRCh38, 1-based): chr1:1,338,383, G>A on the plus strand (C>T on the coding strand, the complement: DVL1 is on the minus strand). VCF-style: chr1-1338383-G-A. GRCh37 (hg19) VCF-style: chr1-1273763-G-A.
Other names: c.1318C>T, p.Arg440Trp (NM_004421.3); short protein forms R440W, R465W.
Identifiers: ClinVar variation 2982549 (VCV002982549.3), dbSNP rs778929271, ClinGen allele CA520102.
Genomic context (GRCh38, chr1:1,338,383, plus strand): 5'-TGACCGTGTGCCGCAGGAAGCCGTGCTTCAGCAAGCTGCTGGCGTACTTCCGGGCCTCCC[G>A]CCGCTCCTTGAAGCCCTCCACGTGTGTGTACAGCCAGTCCACCACGTCCGCCCCTGGCCG-3'
Protein context (NP_001317240.1, residues 455-475): YTHVEGFKER[Arg465Trp]EARKYASSLL

ClinVar aggregate classification (germline): Uncertain significance (1 of 4 stars; one submission).

Allele frequency attached by ClinVar (database versions not stated): ExAC 0.00001; gnomAD 0.00001.
gnomAD v4.1: 13 of 1,612,526 alleles (0.00081%); highest among the groups gnomAD compares: South Asian, 0.0022%; no homozygotes.

Submission:

Labcorp Genetics (formerly Invitae), Labcorp
Classification: Uncertain significance. Last evaluated: 2023-01-18. Review status: criteria provided, single submitter. Criteria: Invitae Variant Classification Sherloc (09022015). Collection method: clinical testing. Allele origin: germline.
Comment: In summary, the available evidence is currently insufficient to determine the role of this variant in disease. Therefore, it has been classified as a Variant of Uncertain Significance. Advanced modeling of protein sequence and biophysical properties (such as structural, functional, and spatial information, amino acid conservation, physicochemical variation, residue mobility, and thermodynamic stability) performed at Invitae indicates that this missense variant is expected to disrupt DVL1 protein function. This variant has not been reported in the literature in individuals affected with DVL1-related conditions. This variant is present in population databases (rs778929271, gnomAD 0.009%). This sequence change replaces arginine, which is basic and polar, with tryptophan, which is neutral and slightly polar, at codon 440 of the DVL1 protein (p.Arg440Trp).